The following is an entry in ClinVar:

NM_001376.5(DYNC1H1):c.6736G>A (p.Gly2246Ser)

Gene: DYNC1H1 (dynein cytoplasmic 1 heavy chain 1; plus strand). Cytogenetic location: 14q32.31.
Variant type: single nucleotide variant.
Coding change: c.6736G>A on transcript NM_001376.5 (MANE Select); coding-DNA position 6736, G replaced by A.
Protein change: p.Gly2246Ser; replaces glycine 2246 with serine.
Molecular consequence: missense variant.
Genome position (GRCh38, 1-based): chr14:102,011,992, G>A. VCF-style: chr14-102011992-G-A. GRCh37 (hg19) VCF-style: chr14-102478329-G-A.
Other names: short protein forms G2246S.
Identifiers: ClinVar variation 1755164 (VCV001755164.2), dbSNP rs1046784611, ClinGen allele CA267004068.

ClinVar aggregate classification (germline): Uncertain significance (1 of 4 stars; one submission).

Conditions:
Inborn genetic diseases. Identifiers: MedGen C0950123, MeSH D030342.

Allele frequency attached by ClinVar (database versions not stated): TOPMed below 0.00001.
gnomAD v4.1: 11 of 1,614,088 alleles (0.00068%); highest among the groups gnomAD compares: Non-Finnish European, 0.00093%; no homozygotes.

Submission:

Ambry Genetics
Classification: Uncertain significance for Inborn genetic diseases. Last evaluated: 2020-10-19. Review status: criteria provided, single submitter. Criteria: Ambry Variant Classification Scheme 2023. Collection method: clinical testing. Allele origin: germline.
Comment: The p.G2246S variant (also known as c.6736G>A), located in coding exon 33 of the DYNC1H1 gene, results from a G to A substitution at nucleotide position 6736. The glycine at codon 2246 is replaced by serine, an amino acid with similar properties. This amino acid position is highly conserved in available vertebrate species. In addition, the in silico prediction for this alteration is inconclusive. Since supporting evidence is limited at this time, the clinical significance of this alteration remains unclear.